The following is an entry in ClinVar:

ClinVar aggregate classification (germline): Uncertain significance (1 of 4 stars; one submission).

Conditions:
Multiple monogenic benign skin tumours.

Submission:

Genetics Laboratory, Great Ormond Street Hospital NHS Foundation Trust, North Thames Genomic Laboratory Hub
Classification: Uncertain significance for Multiple monogenic benign skin tumours. Last evaluated: 2026-05-14. Review status: criteria provided, single submitter. Criteria: ACGS Best Practice Guidelines for Variant Classification in Rare Disease 2024 v1.2. Collection method: clinical testing. Allele origin: germline. Affected: yes.
Comment: PM2_moderate, PP3_supporting, PP2_supporting, PP4_supporting

NM_001378743.1(CYLD):c.2050G>A (p.Glu684Lys)

Genes: CYLD (CYLD lysine 63 deubiquitinase; plus strand), CYLD-AS2 (CYLD antisense RNA 2; minus strand). Cytogenetic location: 16q12.1.
Variant type: single nucleotide variant.
Coding change: c.2050G>A on transcript NM_001378743.1 (MANE Select); coding-DNA position 2050, G replaced by A.
Protein change: p.Glu684Lys; replaces glutamic acid 684 with lysine.
Molecular consequence: missense variant. On other transcripts: non-coding transcript variant (1).
Genome position (GRCh38, 1-based): chr16:50,787,794, G>A. VCF-style: chr16-50787794-G-A. GRCh37 (hg19) VCF-style: chr16-50821705-G-A.
Other names: c.2041G>A, p.Glu681Lys (NM_001042355.2, NM_001042412.3, NM_001378744.1 and 6 more transcripts); c.2011G>A, p.Glu671Lys (NM_001378751.1, NM_001378752.1, NM_001378753.1); c.1375G>A, p.Glu459Lys (NM_001378754.1, NM_001378755.1); c.2050G>A, p.Glu684Lys (NM_015247.3); short protein forms E459K, E671K, E681K, E684K.
Identifiers: ClinVar variation 4857700 (VCV004857700.1).